The following is an entry in ClinVar:

ClinVar aggregate classification (germline): Conflicting classifications of pathogenicity. Review status: criteria provided, conflicting classifications (1 of 4 stars). 3 submissions from 3 submitters: Uncertain significance (2); Likely benign (1). Last evaluated 2023-04-11.

Conditions:
Hereditary breast ovarian cancer syndrome. Also called: Hereditary breast and ovarian cancer; Hereditary breast and/or ovarian cancer syndrome; Hereditary breast and ovarian cancer syndrome; Hereditary breast and ovarian cancer syndrome (HBOC); BRCA1- and BRCA2-Associated Hereditary Breast and Ovarian Cancer; Breast and ovarian cancer. Identifiers: Orphanet 145, MedGen C0677776, MeSH D061325, MONDO:0003582. Disease mechanism: loss of function.
Hereditary cancer-predisposing syndrome. Also called: Tumor predisposition; Hereditary neoplastic syndrome; Neoplastic Syndromes, Hereditary; Hereditary Cancer Syndrome. Identifiers: Orphanet 140162, MedGen C0027672, MeSH D009386, MONDO:0015356.

Submissions (3):

Labcorp Genetics (formerly Invitae), Labcorp
Classification: Uncertain significance for Hereditary breast ovarian cancer syndrome. Last evaluated: 2023-04-11. Review status: criteria provided, single submitter. Criteria: Invitae Variant Classification Sherloc (09022015). Collection method: clinical testing. Allele origin: germline.
Comment: In summary, the available evidence is currently insufficient to determine the role of this variant in disease. Therefore, it has been classified as a Variant of Uncertain Significance. Advanced modeling of protein sequence and biophysical properties (such as structural, functional, and spatial information, amino acid conservation, physicochemical variation, residue mobility, and thermodynamic stability) performed at Invitae indicates that this missense variant is not expected to disrupt BRCA2 protein function. ClinVar contains an entry for this variant (Variation ID: 951458). This variant has not been reported in the literature in individuals affected with BRCA2-related conditions. This variant is not present in population databases (gnomAD no frequency). This sequence change replaces lysine, which is basic and polar, with glutamine, which is neutral and polar, at codon 1875 of the BRCA2 protein (p.Lys1875Gln).

University of Washington Department of Laboratory Medicine, University of Washington
Classification: Likely benign for Hereditary cancer-predisposing syndrome. Last evaluated: 2023-03-23. Review status: criteria provided, single submitter. Criteria: Dines et al. (Genet Med. 2020). Collection method: curation. Allele origin: germline.
Comment: Missense variant in a coldspot region where missense variants are very unlikely to be pathogenic (PMID:31911673).

BRCA2 exon 11 coldspot. Reclassification based on statistical prior probability.

Ambry Genetics
Classification: Uncertain significance for Hereditary cancer-predisposing syndrome. Last evaluated: 2020-12-10. Review status: criteria provided, single submitter. Criteria: Ambry Variant Classification Scheme 2023. Collection method: clinical testing. Allele origin: germline.
Comment: The p.K1875Q variant (also known as c.5623A>C), located in coding exon 10 of the BRCA2 gene, results from an A to C substitution at nucleotide position 5623. The lysine at codon 1875 is replaced by glutamine, an amino acid with similar properties. This amino acid position is not well conserved in available vertebrate species. In addition, this alteration is predicted to be tolerated by in silico analysis. Since supporting evidence is limited at this time, the clinical significance of this alteration remains unclear.

NM_000059.4(BRCA2):c.5623A>C (p.Lys1875Gln)

Gene: BRCA2 (BRCA2 DNA repair associated; plus strand). Cytogenetic location: 13q13.1.
Variant type: single nucleotide variant.
Coding change: c.5623A>C on transcript NM_000059.4 (MANE Select); coding-DNA position 5623, A replaced by C.
Protein change: p.Lys1875Gln; replaces lysine 1875 with glutamine.
Molecular consequence: missense variant.
Genome position (GRCh38, 1-based): chr13:32,339,978, A>C. VCF-style: chr13-32339978-A-C. GRCh37 (hg19) VCF-style: chr13-32914115-A-C.
Other names: short protein forms K1875Q.
Identifiers: ClinVar variation 951458 (VCV000951458.13), dbSNP rs886040600, ClinGen allele CA387786111.
Genomic context (GRCh38, chr13:32,339,978, plus strand): 5'-TCACATGAAACAATTAAAAAAGTGAAAGACATATTTACAGACAGTTTCAGTAAAGTAATT[A>C]AGGAAAACAACGAGAATAAATCAAAAATTTGCCAAACGAAAATTATGGCAGGTTGTTACG-3'
Protein context (NP_000050.3, residues 1865-1885): IFTDSFSKVI[Lys1875Gln]ENNENKSKIC